The following is an entry in ClinVar:

NM_000274.4(OAT):c.893dup (p.Leu298fs)

Gene: OAT (ornithine aminotransferase; minus strand). Cytogenetic location: 10q26.13.
Variant type: Duplication.
Coding change: c.893dup on transcript NM_000274.4 (MANE Select); coding-DNA position 893, one base duplicated (T; older notation c.893dupT).
Protein change: p.Leu298fs; shifts the reading frame from leucine 298.
Molecular consequence: frameshift variant.
Genome position (GRCh38, 1-based): chr10:124,402,934, A duplicated on the plus strand (T on the coding strand, the reverse complement: OAT is on the minus strand); the first of 2 consecutive A bases (chr10:124,402,934-124,402,935); duplicating either gives the same sequence. VCF-style (leftmost placement, unchanged base first): chr10-124402933-T-TA. GRCh37 (hg19) VCF-style: chr10-126091502-T-TA.
Other names: c.479dup, p.Leu160fs (NM_001171814.2); c.893dup, p.Leu298fs (NM_001322965.2, NM_001322966.2, NM_001322967.2 and 3 more transcripts); c.572dup, p.Leu191fs (NM_001322971.2); c.293dup, p.Leu98fs (NM_001322974.2); short protein forms L160fs, L191fs, L298fs, L98fs.
Identifiers: ClinVar variation 5013076 (VCV005013076.1).
Genomic context (GRCh38, chr10:124,402,933, plus strand): 5'-AGGGGTATATTTTACAAGAGTAGGAAATGGAAAGAGGGGGAACATGAAACTTACAGGGTA[T>TA]AAGCCCCCAGAAAGGGCCTTTCCAAGGAGGACTATATCAGGTCTGACATTTTCATAATCA-3'

ClinVar aggregate classification (germline): Pathogenic (1 of 4 stars; one submission).

Conditions:
Ornithine aminotransferase deficiency (GACR). Also called: HYPERORNITHINEMIA WITH GYRATE ATROPHY OF CHOROID AND RETINA; OAT DEFICIENCY; OKT DEFICIENCY; Ornithine ketoacid aminotransferase deficiency; Gyrate atrophy; Gyrate atrophy of choroid and retina. Identifiers: Orphanet 414, MedGen C0018425, MONDO:0009796, OMIM 258870.

Submission:

Myriad Genetics, Inc.
Classification: Pathogenic for Ornithine aminotransferase deficiency. Last evaluated: 2024-05-20. Review status: criteria provided, single submitter. Criteria: Myriad Autosomal Dominant, Autosomal Recessive and X-Linked Classification Criteria (2023). Collection method: clinical testing. Allele origin: unknown.
Comment: NM_000274.3(OAT):c.893dupT(L298Ffs*10) is expected to be pathogenic in the context of ornithine aminotransferase deficiency. This variant is predicted to lead to an abnormal or absent protein product due to the creation of a premature termination codon in OAT, a gene where loss-of-function variants are known to be pathogenic. Please note: this variant was assessed in the context of healthy population screening.